The following is an entry in ClinVar:

NM_000135.4(FANCA):c.275C>A (p.Ser92Ter)

Gene: FANCA (FA complementation group A; minus strand). Cytogenetic location: 16q24.3.
Variant type: single nucleotide variant.
Coding change: c.275C>A on transcript NM_000135.4 (MANE Select); coding-DNA position 275, C replaced by A.
Protein change: p.Ser92Ter; replaces serine 92 with a stop codon.
Molecular consequence: nonsense.
Genome position (GRCh38, 1-based): chr16:89,814,528, G>T on the plus strand (C>A on the coding strand, the complement: FANCA is on the minus strand). VCF-style: chr16-89814528-G-T. GRCh37 (hg19) VCF-style: chr16-89880936-G-T.
Other names: c.275C>A, p.Ser92Ter (NM_001018112.3, NM_001286167.3, NM_001351830.2); c.275C>A (NM_000135.3); short protein forms S92*.
Identifiers: ClinVar variation 973987 (VCV000973987.4), dbSNP rs1183559927, ClinGen allele CA397482431.

ClinVar aggregate classification (germline): Pathogenic/Likely pathogenic. Review status: criteria provided, multiple submitters, no conflicts (2 of 4 stars). 4 submissions from 4 submitters: Pathogenic (2); Likely pathogenic (1). 1 of the submissions does not count toward it. Last evaluated 2025-12-26.

Conditions:
Fanconi anemia (FA). Also called: Fanconi's anemia. Identifiers: Orphanet 84, MedGen C0015625, MeSH D005199, MONDO:0019391.
Fanconi anemia complementation group A (FANCA). Also called: Fanconi anemia, group A; FANCA-Related Fanconi Anemia. Identifiers: Orphanet 84, MedGen C3469521, MONDO:0009215, OMIM 227650.

Allele frequency attached by ClinVar (database versions not stated): gnomAD exomes below 0.00001.

Submissions (4):

Natera, Inc.
Classification: Pathogenic for Fanconi anemia. Last evaluated: 2025-12-26. Review status: criteria provided, single submitter. Criteria: Natera Variant Classification Schema (03/2026). Collection method: clinical testing. Allele origin: germline.
Comment: The c.275C>A variant in FANCA is a nonsense variant predicted to introduce a stop codon at amino acid 92. This variant is expected to result in nonsense mediated decay, truncation, or a dysfunctional protein product. This variant is rare in the general population with a frequency below the threshold expected for the associated phenotype(s). This variant has been observed in one or more individuals affected with the associated recessive disease, as either homozygous or compound heterozygous with a second variant (PMID: 17924555, 40206918). Given the available evidence, this variant is classified as Pathogenic.

Women's Health and Genetics/Laboratory Corporation of America, LabCorp
Classification: Pathogenic for Fanconi anemia. Last evaluated: 2024-08-01. Review status: criteria provided, single submitter. Criteria: LabCorp Variant Classification Summary - May 2015. Collection method: clinical testing. Allele origin: germline.
Comment: Variant summary: FANCA c.275C>A (p.Ser92X) results in a premature termination codon, predicted to cause a truncation of the encoded protein or absence of the protein due to nonsense mediated decay, which are commonly known mechanisms for disease. The variant allele was found at a frequency of 4e-06 in 251380 control chromosomes. c.275C>A has been reported in the literature in the presumed compound heterozygous state in at least 1 individual affected with Fanconi Anemia (example Ameziane_2008). The following publication has been ascertained in the context of this evaluation (PMID: 17924555). ClinVar contains an entry for this variant (Variation ID: 973987). Based on the evidence outlined above, the variant was classified as pathogenic.

Baylor Genetics
Classification: Likely pathogenic for Fanconi anemia complementation group A. Last evaluated: 2023-08-15. Review status: criteria provided, single submitter. Criteria: ACMG Guidelines, 2015. Collection method: clinical testing. Allele origin: unknown.

Leiden Open Variation Database
Classification: Pathogenic for Fanconi anemia complementation group A. Last evaluated: 2020-02-28. Review status: no assertion criteria provided. Collection method: curation. Allele origin: germline. Affected: yes. Not counted in ClinVar's aggregate classification.
Comment: Curator: Arleen D. Auerbach. Submitter to LOVD: Johan de Winter.

Literature cited by the submitters: PubMed 17924555 (cited by 3 submitters); PubMed 40206918 (cited by Natera, Inc.).